The following is an entry in ClinVar:

NM_001277115.2(DNAH11):c.3412T>C (p.Phe1138Leu)

Genes: DNAH11 (dynein axonemal heavy chain 11; plus strand), LOC126859961 (BRD4-independent group 4 enhancer GRCh37_chr7:21639662-21640861; plus strand). Cytogenetic location: 7p15.3.
Variant type: single nucleotide variant.
Coding change: c.3412T>C on transcript NM_001277115.2 (MANE Select); coding-DNA position 3412, T replaced by C.
Protein change: p.Phe1138Leu; replaces phenylalanine 1138 with leucine.
Molecular consequence: missense variant.
Genome position (GRCh38, 1-based): chr7:21,601,166, T>C. VCF-style: chr7-21601166-T-C. GRCh37 (hg19) VCF-style: chr7-21640784-T-C.
Other names: short protein forms F1138L.
Identifiers: ClinVar variation 1139598 (VCV001139598.13), dbSNP rs200099996, ClinGen allele CA4179609.

ClinVar aggregate classification (germline): Conflicting classifications of pathogenicity. Review status: criteria provided, conflicting classifications (1 of 4 stars). 3 submissions from 3 submitters: Uncertain significance (1); Likely benign (2). Last evaluated 2026-01-19.

Conditions:
Primary ciliary dyskinesia. Also called: Ciliary dyskinesia. Identifiers: Orphanet 244, MedGen C0008780, MONDO:0016575, HP:0012265.
Primary ciliary dyskinesia 7. Also called: CILIARY DYSKINESIA, PRIMARY, 7, WITH OR WITHOUT SITUS INVERSUS. Identifiers: Orphanet 244, MedGen C2678473, MONDO:0012748, OMIM 611884.

Allele frequency attached by ClinVar (database versions not stated): gnomAD exomes 0.00008 and 0.00011; ExAC 0.00012; gnomAD 0.00013 and 0.00015; TOPMed 0.00013; ESP Exome Variant Server 0.00025.
gnomAD v4.1: 144 of 1,599,562 alleles (0.009%); highest among the groups gnomAD compares: Middle Eastern, 0.37%; 1 homozygote.

Submissions (3):

Labcorp Genetics (formerly Invitae), Labcorp
Classification: Likely benign for Primary ciliary dyskinesia. Last evaluated: 2026-01-19. Review status: criteria provided, single submitter. Criteria: Invitae Variant Classification Sherloc (09022015). Collection method: clinical testing. Allele origin: germline.

Ambry Genetics
Classification: Likely benign for Primary ciliary dyskinesia. Last evaluated: 2025-07-14. Review status: criteria provided, single submitter. Criteria: Ambry Variant Classification Scheme 2023. Collection method: clinical testing. Allele origin: germline.

ARUP Laboratories, Molecular Genetics and Genomics, ARUP Laboratories
Classification: Uncertain significance for Primary ciliary dyskinesia 7. Last evaluated: 2024-11-16. Review status: criteria provided, single submitter. Criteria: ARUP Molecular Germline Variant Investigation Process 2024. Collection method: clinical testing. Allele origin: germline.
Comment: The DNAH11 c.3412T>C; p.Phe1138Leu variant (rs200099996), to our knowledge, is not reported in the medical literature but is reported in ClinVar (Variation ID: 1139598). This variant is found in the general population with an overall allele frequency of 0.01% (27/263,794 alleles, including one homozygote) in the Genome Aggregation Database (v2.1.1). Computational analyses are uncertain whether this variant is neutral or deleterious (REVEL: 0.161). Due to limited information, the clinical significance of this variant is uncertain at this time.